The following is an entry in ClinVar:

NM_003070.5(SMARCA2):c.3519G>C (p.Arg1173Ser)

Gene: SMARCA2 (SWI/SNF related BAF chromatin remodeling complex subunit ATPase 2; plus strand). Cytogenetic location: 9p24.3.
Variant type: single nucleotide variant.
Coding change: c.3519G>C on transcript NM_003070.5 (MANE Select); coding-DNA position 3519, G replaced by C.
Protein change: p.Arg1173Ser; replaces arginine 1173 with serine.
Molecular consequence: missense variant.
Genome position (GRCh38, 1-based): chr9:2,115,884, G>C. VCF-style: chr9-2115884-G-C. GRCh37 (hg19) VCF-style: chr9-2115884-G-C.
Other names: c.3519G>C, p.Arg1173Ser (NM_001289396.2, NM_139045.4); c.3345G>C, p.Arg1115Ser (NM_001289397.2); short protein forms R1115S, R1173S.
Identifiers: ClinVar variation 3373076 (VCV003373076.1).

ClinVar aggregate classification (germline): Uncertain significance (1 of 4 stars; one submission).

Submission:

GeneDx
Classification: Uncertain significance. Last evaluated: 2024-03-01. Review status: criteria provided, single submitter. Criteria: GeneDx Variant Classification Process June 2021. Collection method: clinical testing. Allele origin: germline. Affected: yes.
Comment: Not observed at significant frequency in large population cohorts (gnomAD); In silico analysis supports that this missense variant has a deleterious effect on protein structure/function; Has not been previously published as pathogenic or benign to our knowledge